The following is an entry in ClinVar:

ClinVar aggregate classification (germline): Pathogenic (1 of 4 stars; one submission).

Conditions:
Cardiovascular phenotype. Identifiers: MedGen CN230736.
Hereditary cancer-predisposing syndrome. Also called: Hereditary neoplastic syndrome; Neoplastic Syndromes, Hereditary; Tumor predisposition; Hereditary Cancer Syndrome. Identifiers: Orphanet 140162, MedGen C0027672, MeSH D009386, MONDO:0015356.

Submission:

Ambry Genetics
Classification: Pathogenic for Cardiovascular phenotype; Hereditary cancer-predisposing syndrome. Last evaluated: 2025-07-28. Review status: criteria provided, single submitter. Criteria: Ambry Variant Classification Scheme 2023. Collection method: clinical testing. Allele origin: germline.
Comment: The c.7590_7603del14 pathogenic mutation, located in coding exon 51 of the NF1 gene, results from a deletion of 14 nucleotides at nucleotide positions 7590 to 7603, causing a translational frameshift with a predicted alternate stop codon (p.K2531Afs*20). This variant is considered to be rare based on population cohorts in the Genome Aggregation Database (gnomAD). This alteration is expected to result in loss of function by premature protein truncation or nonsense-mediated mRNA decay. As such, this alteration is interpreted as a disease-causing mutation.

NM_001042492.3(NF1):c.7653_7666del (p.Lys2552fs)

Gene: NF1 (neurofibromin 1; plus strand). Cytogenetic location: 17q11.2.
Variant type: Deletion.
Coding change: c.7653_7666del on transcript NM_001042492.3 (MANE Select); coding-DNA positions 7653 to 7666, 14 bases deleted (AAAGGCTCCTAAAA).
Protein change: p.Lys2552fs; shifts the reading frame from lysine 2552.
Molecular consequence: frameshift variant.
Genome position (GRCh38, 1-based): chr17:31,356,497-31,356,510, AAAGGCTCCTAAAA deleted. VCF-style (leftmost placement, unchanged base first): chr17-31356496-CAAAGGCTCCTAAAA-C. GRCh37 (hg19) VCF-style: chr17-29683514-CAAAGGCTCCTAAAA-C.
Other names: c.7590_7603del, p.Lys2531fs (NM_000267.4); c.7590_7603del14 (NM_000267.3); short protein forms K2552fs, K2531fs.
Identifiers: ClinVar variation 4119098 (VCV004119098.1).
Genomic context (GRCh38, chr17:31,356,496, plus strand): 5'-CATATTCTTAACTTTTGTTTATAGGAACAAGGAAAAGTTTTGATCACTTGATATCAGACA[CAAAGGCTCCTAAAA>C]GGCAAGAAATGGAATCAGGGATCACAACACCCCCCAAAATGAGGAGAGTAGCAGAAACTG-3'